The following is an entry in ClinVar:

NM_019023.5(PRMT7):c.1480T>C (p.Trp494Arg)

Gene: PRMT7 (protein arginine methyltransferase 7; plus strand). Cytogenetic location: 16q22.1.
Variant type: single nucleotide variant.
Coding change: c.1480T>C on transcript NM_019023.5 (MANE Select); coding-DNA position 1480, T replaced by C.
Protein change: p.Trp494Arg; replaces tryptophan 494 with arginine.
Molecular consequence: missense variant. On other transcripts: non-coding transcript variant (12).
Genome position (GRCh38, 1-based): chr16:68,352,314, T>C. VCF-style: chr16-68352314-T-C. GRCh37 (hg19) VCF-style: chr16-68386217-T-C.
Other names: c.1330T>C, p.Trp444Arg (NM_001184824.4); c.1480T>C, p.Trp494Arg (NM_001290018.2, NM_001351143.3, NM_001351144.3 and 1 more transcripts); c.1273T>C, p.Trp425Arg (NM_001378020.1); c.1243T>C, p.Trp415Arg (NM_001378021.1, NM_001378022.1, NM_001378023.1); short protein forms W494R, W444R, W425R, W415R.
Identifiers: ClinVar variation 266021 (VCV000266021.15), dbSNP rs751670999, ClinGen allele CA8127489.

ClinVar aggregate classification (germline): Conflicting classifications of pathogenicity. Review status: criteria provided, conflicting classifications (1 of 4 stars). 4 submissions from 4 submitters: Pathogenic (1); Likely pathogenic (1); Uncertain significance (1). 1 of the submissions does not count toward it. Last evaluated 2025-08-21.

Conditions:
Short stature-brachydactyly-obesity-global developmental delay syndrome. Also called: Short stature, brachydactyly, intellectual developmental disability, and seizures; SHORT STATURE, BRACHYDACTYLY, IMPAIRED INTELLECTUAL DEVELOPMENT, AND SEIZURES. Identifiers: Orphanet 464288, MedGen C4310689, MONDO:0014944, OMIM 617157.
Inborn genetic diseases. Identifiers: MedGen C0950123, MeSH D030342.

Allele frequency attached by ClinVar (database versions not stated): ExAC 0.00001; gnomAD exomes 0.00001; TOPMed 0.00001.

Submissions (4):

Labcorp Genetics (formerly Invitae), Labcorp
Classification: Pathogenic. Last evaluated: 2025-08-21. Review status: criteria provided, single submitter. Criteria: Invitae Variant Classification Sherloc (09022015). Collection method: clinical testing. Allele origin: germline.
Comment: This sequence change replaces tryptophan, which is neutral and slightly polar, with arginine, which is basic and polar, at codon 494 of the PRMT7 protein (p.Trp494Arg). This variant is present in population databases (rs751670999, gnomAD 0.003%). This missense change has been observed in individual(s) with short stature, brachydactyly, intellectual developmental disability, and seizures (SBIDDS) (PMID: 26437029, 28902392). In at least one individual the data is consistent with being in trans (on the opposite chromosome) from a pathogenic variant. It has also been observed to segregate with disease in related individuals. ClinVar contains an entry for this variant (Variation ID: 266021). Invitae Evidence Modeling of protein sequence and biophysical properties (such as structural, functional, and spatial information, amino acid conservation, physicochemical variation, residue mobility, and thermodynamic stability) indicates that this missense variant is expected to disrupt PRMT7 protein function with a positive predictive value of 80%. For these reasons, this variant has been classified as Pathogenic.

GeneDx
Classification: Likely pathogenic. Last evaluated: 2025-06-10. Review status: criteria provided, single submitter. Criteria: GeneDx Variant Classification Process June 2021. Collection method: clinical testing. Allele origin: germline.
Comment: In silico analysis supports that this missense variant has a deleterious effect on protein structure/function; Not observed at significant frequency in large population cohorts (gnomAD); This variant is associated with the following publications: (PMID: 30513135, 30006058, 28902392, 33270637, 26437029, 36399134)

Ambry Genetics
Classification: Uncertain significance for Inborn genetic diseases. Last evaluated: 2023-11-30. Review status: criteria provided, single submitter. Criteria: Ambry Variant Classification Scheme 2023. Collection method: clinical testing. Allele origin: germline.
Comment: The c.1480T>C (p.W494R) alteration is located in exon 15 (coding exon 13) of the PRMT7 gene. This alteration results from a T to C substitution at nucleotide position 1480, causing the tryptophan (W) at amino acid position 494 to be replaced by an arginine (R). Based on data from gnomAD, the C allele has an overall frequency of 0.0008% (2/250826) total alleles studied. The highest observed frequency was 0.003% (1/34578) of Latino alleles. This alteration has been identified along with a second PRMT7 variant in three individuals with some features of PRMT7-related neurodevelopmental disorder; however, phase was unable to be determined in one case (Akawi, 2015; Ambry internal data). This amino acid position is highly conserved in available vertebrate species. This alteration is predicted to be deleterious by in silico analysis. Based on insufficient or conflicting evidence, the clinical significance of this alteration remains unclear.

OMIM
Classification: Pathogenic for SHORT STATURE, BRACHYDACTYLY, IMPAIRED INTELLECTUAL DEVELOPMENT, AND SEIZURES. Last evaluated: 2020-07-03. Review status: no assertion criteria provided. Collection method: literature only. Allele origin: germline. Not counted in ClinVar's aggregate classification.

Literature cited by the submitters: PubMed 26437029 (cited by 3 submitters); PubMed 28902392 (cited by Labcorp Genetics (formerly Invitae), Labcorp).